The following is an entry in ClinVar:

ClinVar aggregate classification (germline): Uncertain significance. Review status: criteria provided, single submitter (1 of 4 stars). 2 submissions from 2 submitters: Uncertain significance (1). 1 of the submissions does not count toward it. Last evaluated 2021-08-27.

Conditions:
Achromatopsia. Also called: Rod monochromatism. Identifiers: Orphanet 49382, MedGen C0152200, MONDO:0018852, HP:0011516.

Allele frequency attached by ClinVar (database versions not stated): gnomAD exomes below 0.00001; TOPMed 0.00001.
gnomAD v4.1: 2 of 1,613,582 alleles (0.00012%); highest among the groups gnomAD compares: African/African-American, 0.0013%; no homozygotes.

Submissions (2):

Labcorp Genetics (formerly Invitae), Labcorp
Classification: Uncertain significance. Last evaluated: 2021-08-27. Review status: criteria provided, single submitter. Criteria: Invitae Variant Classification Sherloc (09022015). Collection method: clinical testing. Allele origin: germline.
Comment: This sequence change replaces methionine with threonine at codon 268 of the CNGB3 protein (p.Met268Thr). The methionine residue is weakly conserved and there is a moderate physicochemical difference between methionine and threonine. This variant is not present in population databases (ExAC no frequency). This variant has not been reported in the literature in individuals affected with CNGB3-related conditions. Algorithms developed to predict the effect of missense changes on protein structure and function output the following: SIFT: "Deleterious"; PolyPhen-2: "Benign"; Align-GVGD: "Class C45". The threonine amino acid residue is found in multiple mammalian species, which suggests that this missense change does not adversely affect protein function. In summary, the available evidence is currently insufficient to determine the role of this variant in disease. Therefore, it has been classified as a Variant of Uncertain Significance.

Natera, Inc.
Classification: Uncertain significance for Achromatopsia. Last evaluated: 2020-09-01. Review status: no assertion criteria provided. Collection method: clinical testing. Allele origin: germline. Not counted in ClinVar's aggregate classification.

NM_019098.5(CNGB3):c.803T>C (p.Met268Thr)

Gene: CNGB3 (cyclic nucleotide gated channel subunit beta 3; minus strand). Cytogenetic location: 8q21.3.
Variant type: single nucleotide variant.
Coding change: c.803T>C on transcript NM_019098.5 (MANE Select); coding-DNA position 803, T replaced by C.
Protein change: p.Met268Thr; replaces methionine 268 with threonine.
Molecular consequence: missense variant.
Genome position (GRCh38, 1-based): chr8:86,666,974, A>G on the plus strand (T>C on the coding strand, the complement: CNGB3 is on the minus strand). VCF-style: chr8-86666974-A-G. GRCh37 (hg19) VCF-style: chr8-87679202-A-G.
Other names: short protein forms M268T.
Identifiers: ClinVar variation 1039771 (VCV001039771.7), dbSNP rs1440942177, ClinGen allele CA371449345.
Genomic context (GRCh38, chr8:86,666,974, plus strand): 5'-ACCCCACTTACTATTATGTCTCCTCCTCTTACAAACTGGAGTCTGGGCTGGATAAATAGC[A>G]TATCATAAAGGTAGATGATATCACATATGATGTCCGCAATAAGCCAGTAGTGTATGTTGT-3'
Protein context (NP_061971.3, residues 258-278): IICDIIYLYD[Met268Thr]LFIQPRLQFV